The following is an entry in ClinVar:

NM_000489.6(ATRX):c.1096A>G (p.Met366Val)

Gene: ATRX (ATRX chromatin remodeler; minus strand). Cytogenetic location: Xq21.1.
Variant type: single nucleotide variant.
Coding change: c.1096A>G on transcript NM_000489.6 (MANE Select); coding-DNA position 1096, A replaced by G.
Protein change: p.Met366Val; replaces methionine 366 with valine.
Molecular consequence: missense variant.
Genome position (GRCh38, 1-based): chrX:77,684,160, T>C on the plus strand (A>G on the coding strand, the complement: ATRX is on the minus strand). VCF-style: chrX-77684160-T-C. GRCh37 (hg19) VCF-style: chrX-76939652-T-C.
Other names: c.982A>G, p.Met328Val (NM_138270.5); short protein forms M328V, M366V.
Identifiers: ClinVar variation 2124163 (VCV002124163.4), dbSNP rs2148630625, ClinGen allele CA413719505.

ClinVar aggregate classification (germline): Uncertain significance (1 of 4 stars; one submission).

Conditions:
Alpha thalassemia-X-linked intellectual disability syndrome (ATRX). Also called: ALPHA-THALASSEMIA/MENTAL RETARDATION SYNDROME, X-LINKED; ATR, NONDELETION TYPE; ATR-X syndrome; Alpha thalassemia mental retardation syndrome, nondeletion type, X-linked; XLMR hypotonic face syndrome; X-linked alpha-thalassemia-mental retardation syndrome. Identifiers: Orphanet 847, MedGen C1845055, MONDO:0010519, OMIM 301040.

Submission:

Labcorp Genetics (formerly Invitae), Labcorp
Classification: Uncertain significance for Alpha thalassemia-X-linked intellectual disability syndrome. Last evaluated: 2022-04-10. Review status: criteria provided, single submitter. Criteria: Invitae Variant Classification Sherloc (09022015). Collection method: clinical testing. Allele origin: germline.
Comment: In summary, the available evidence is currently insufficient to determine the role of this variant in disease. Therefore, it has been classified as a Variant of Uncertain Significance. Algorithms developed to predict the effect of missense changes on protein structure and function are either unavailable or do not agree on the potential impact of this missense change (SIFT: "Deleterious"; PolyPhen-2: "Probably Damaging"; Align-GVGD: "Class C0"). This variant has not been reported in the literature in individuals affected with ATRX-related conditions. This variant is not present in population databases (gnomAD no frequency). This sequence change replaces methionine, which is neutral and non-polar, with valine, which is neutral and non-polar, at codon 366 of the ATRX protein (p.Met366Val).